The following is an entry in ClinVar:

NM_005876.5(SPEG):c.1730C>A (p.Ala577Glu)

Gene: SPEG (striated muscle enriched protein kinase; plus strand). Cytogenetic location: 2q35.
Variant type: single nucleotide variant.
Coding change: c.1730C>A on transcript NM_005876.5 (MANE Select); coding-DNA position 1730, C replaced by A.
Protein change: p.Ala577Glu; replaces alanine 577 with glutamic acid.
Molecular consequence: missense variant.
Genome position (GRCh38, 1-based): chr2:219,448,888, C>A. VCF-style: chr2-219448888-C-A. GRCh37 (hg19) VCF-style: chr2-220313610-C-A.
Other names: short protein forms A577E.
Identifiers: ClinVar variation 2132947 (VCV002132947.4), dbSNP rs1331644780, ClinGen allele CA350723499.
Genomic context (GRCh38, chr2:219,448,888, plus strand): 5'-CTCCGAGCAGCGCGGAGAAGCCGGGGGACGAGCCTGGGAGGCCCAGGAGCCGCGGGCCGG[C>A]GGGCAGGACAGAGCCGGGGGAAGGCCCGCAGCAGGAGGTTAGGCGTCGGGACCAATTCCC-3'
Protein context (NP_005867.3, residues 567-587): EPGRPRSRGP[Ala577Glu]GRTEPGEGPQ

ClinVar aggregate classification (germline): Uncertain significance (1 of 4 stars; one submission).

Submission:

Labcorp Genetics (formerly Invitae), Labcorp
Classification: Uncertain significance. Last evaluated: 2022-05-05. Review status: criteria provided, single submitter. Criteria: Invitae Variant Classification Sherloc (09022015). Collection method: clinical testing. Allele origin: germline.
Comment: In summary, the available evidence is currently insufficient to determine the role of this variant in disease. Therefore, it has been classified as a Variant of Uncertain Significance. Algorithms developed to predict the effect of missense changes on protein structure and function (SIFT, PolyPhen-2, Align-GVGD) all suggest that this variant is likely to be tolerated. This variant has not been reported in the literature in individuals affected with SPEG-related conditions. This variant is not present in population databases (gnomAD no frequency). This sequence change replaces alanine, which is neutral and non-polar, with glutamic acid, which is acidic and polar, at codon 577 of the SPEG protein (p.Ala577Glu).